The following is an entry in ClinVar:

ClinVar aggregate classification (germline): Uncertain significance. Review status: criteria provided, multiple submitters, no conflicts (2 of 4 stars). 4 submissions from 3 submitters: Uncertain significance (4). Last evaluated 2024-04-27.

Conditions:
Neu-Laxova syndrome 1 (NLS1). Identifiers: Orphanet 2671, Orphanet 583607, MedGen C4551478, MONDO:0009736, OMIM 256520. Disease mechanism: loss of function.
PHGDH deficiency. Identifiers: Orphanet 79351, MedGen C1866174, MONDO:0011152, OMIM 601815.

Allele frequency attached by ClinVar (database versions not stated): gnomAD 0.00001; gnomAD exomes 0.00001; ExAC 0.00002; TOPMed 0.00002; 1000 Genomes Project 30x 0.00016; 1000 Genomes Project 0.00020.
gnomAD v4.1: 19 of 1,612,006 alleles (0.0012%); highest among the groups gnomAD compares: East Asian, 0.011%; no homozygotes.

Submissions (4):

Labcorp Genetics (formerly Invitae), Labcorp
Classification: Uncertain significance for PHGDH deficiency. Last evaluated: 2024-04-27. Review status: criteria provided, single submitter. Criteria: Invitae Variant Classification Sherloc (09022015). Collection method: clinical testing. Allele origin: germline.
Comment: This sequence change falls in intron 10 of the PHGDH gene. It does not directly change the encoded amino acid sequence of the PHGDH protein. It affects a nucleotide within the consensus splice site. This variant is present in population databases (rs199611972, gnomAD 0.006%). This variant has not been reported in the literature in individuals affected with PHGDH-related conditions. ClinVar contains an entry for this variant (Variation ID: 1520226). Variants that disrupt the consensus splice site are a relatively common cause of aberrant splicing (PMID: 17576681, 9536098). Algorithms developed to predict the effect of sequence changes on RNA splicing suggest that this variant may disrupt the consensus splice site. In summary, the available evidence is currently insufficient to determine the role of this variant in disease. Therefore, it has been classified as a Variant of Uncertain Significance.

Genome-Nilou Lab
Classification: Uncertain significance for Neu-Laxova syndrome 1. Last evaluated: 2023-04-11. Review status: criteria provided, single submitter. Criteria: ACMG Guidelines, 2015. Collection method: clinical testing. Allele origin: germline. Affected: no.

Genome-Nilou Lab
Classification: Uncertain significance for PHGDH deficiency. Last evaluated: 2023-04-11. Review status: criteria provided, single submitter. Criteria: ACMG Guidelines, 2015. Collection method: clinical testing. Allele origin: germline. Affected: no.

Fulgent Genetics
Classification: Uncertain significance for Neu-Laxova syndrome 1; PHGDH deficiency. Last evaluated: 2021-09-14. Review status: criteria provided, single submitter. Criteria: ACMG Guidelines, 2015. Collection method: clinical testing. Allele origin: unknown.

Literature cited by the submitters: PubMed 17576681 (cited by Labcorp Genetics (formerly Invitae), Labcorp); PubMed 9536098 (cited by Labcorp Genetics (formerly Invitae), Labcorp).

NM_006623.4(PHGDH):c.1209+4C>T

Gene: PHGDH (phosphoglycerate dehydrogenase; plus strand). Cytogenetic location: 1p12.
Variant type: single nucleotide variant.
Coding change: c.1209+4C>T on transcript NM_006623.4 (MANE Select); 4 bases into the intron after coding-DNA position 1209, C replaced by T.
Molecular consequence: intron variant.
Genome position (GRCh38, 1-based): chr1:119,741,901, C>T. VCF-style: chr1-119741901-C-T. GRCh37 (hg19) VCF-style: chr1-120284524-C-T.
Identifiers: ClinVar variation 1520226 (VCV001520226.6), dbSNP rs199611972, ClinGen allele CA1037391.
Genomic context (GRCh38, chr1:119,741,901, plus strand): 5'-CAGGCGGATGTGAACTTGGTGAACGCTAAGCTGCTGGTGAAAGAGGCTGGCCTCAATGTG[C>T]GCCCCTCTCCCCCACGCTGCCTCCCCATCCCTGTCAGCACTAGTCTTCTCCCCCACATTT-3'